The following is an entry in ClinVar:

NM_014363.6(SACS):c.9670C>T (p.Arg3224Ter)

Gene: SACS (sacsin molecular chaperone; minus strand). Cytogenetic location: 13q12.12.
Variant type: single nucleotide variant.
Coding change: c.9670C>T on transcript NM_014363.6 (MANE Select); coding-DNA position 9670, C replaced by T.
Protein change: p.Arg3224Ter; replaces arginine 3224 with a stop codon.
Molecular consequence: nonsense.
Genome position (GRCh38, 1-based): chr13:23,334,206, G>A on the plus strand (C>T on the coding strand, the complement: SACS is on the minus strand). VCF-style: chr13-23334206-G-A. GRCh37 (hg19) VCF-style: chr13-23908345-G-A.
Other names: c.9229C>T, p.Arg3077Ter (NM_001278055.2); c.9670C>T (NM_014363.5); short protein forms R3224*, R3077*.
Identifiers: ClinVar variation 633404 (VCV000633404.7), dbSNP rs751568153, ClinGen allele CA6910584.
Genomic context (GRCh38, chr13:23,334,206, plus strand): 5'-GCCAAGACTCACTTGCAAAATTGTCTTTCCACTTTGTGCAACTTTTGGTCTTATATTCTC[G>A]AGGCAACACAGAGGATAACAAATCAGCAAAGCTGGAAATGTCAAACACTTTTGCAACTTT-3'

ClinVar aggregate classification (germline): Pathogenic/Likely pathogenic. Review status: criteria provided, multiple submitters, no conflicts (2 of 4 stars). 4 submissions from 4 submitters: Pathogenic (3); Likely pathogenic (1). Last evaluated 2025-07-21.

Conditions:
SACS-related disorder. Also called: SACS-related condition.
Spastic paraplegia. Identifiers: MedGen C0037772, HP:0001258.
Charlevoix-Saguenay spastic ataxia (SACS). Also called: SPASTIC ATAXIA 6, AUTOSOMAL RECESSIVE; Spastic ataxia of Charlevoix-Saguenay; AUTOSOMAL RECESSIVE SPASTIC ATAXIA OF CHARLEVOIX-SAGUENAY. Identifiers: Orphanet 98, MedGen C1849140, MONDO:0010041, OMIM 270550.

Allele frequency attached by ClinVar (database versions not stated): gnomAD exomes below 0.00001 and 0.00001; ExAC 0.00001.
gnomAD v4.1: 12 of 1,613,662 alleles (0.00074%); highest among the groups gnomAD compares: South Asian, 0.0011%; no homozygotes.

Submissions (4):

Women's Health and Genetics/Laboratory Corporation of America, LabCorp
Classification: Pathogenic for Charlevoix-Saguenay spastic ataxia. Last evaluated: 2025-07-21. Review status: criteria provided, single submitter. Criteria: LabCorp Variant Classification Summary - May 2015. Collection method: clinical testing. Allele origin: germline.
Comment: Variant summary: SACS c.9670C>T (p.Arg3224X) results in a premature termination codon, predicted to cause a truncation of the encoded protein. One truncation downstream of this position has been classified as pathogenic by our laboratory (e.g. c.11374C>T, p.Arg3792X). The variant allele was found at a frequency of 4e-06 in 250620 control chromosomes. c.9670C>T has been reported in the literature in individuals affected with Autosomal Recessive Spastic Ataxia of Charlevoix-Saguenay (Gazulla_2014). These data indicate that the variant may be associated with disease. To our knowledge, no experimental evidence demonstrating an impact on protein function has been reported. The following publications have been ascertained in the context of this evaluation (PMID: 24384335, 23280630). ClinVar contains an entry for this variant (Variation ID: 633404). Based on the evidence outlined above, the variant was classified as pathogenic.

Natera, Inc.
Classification: Likely pathogenic for Charlevoix-Saguenay type spastic ataxia. Last evaluated: 2025-05-15. Review status: criteria provided, single submitter. Criteria: Natera Variant Classification Schema (03/2026). Collection method: clinical testing. Allele origin: germline.
Comment: The c.9670C>T variant in SACS is a nonsense variant predicted to introduce a stop codon at amino acid 3224. This variant is expected to result in nonsense mediated decay, truncation, or a dysfunctional protein product. This variant is rare in the general population with a frequency below the threshold expected for the associated phenotype(s). This variant has been observed in one or more individuals affected with the associated recessive disease, as either homozygous or compound heterozygous with a second variant (PMID: 21665375). Additionally, this variant has been observed to segregate in affected family members (PMID: 21665375). Given the available evidence, this variant is classified as Likely Pathogenic.

Labcorp Genetics (formerly Invitae), Labcorp
Classification: Pathogenic for Spastic paraplegia. Last evaluated: 2025-03-23. Review status: criteria provided, single submitter. Criteria: Invitae Variant Classification Sherloc (09022015). Collection method: clinical testing. Allele origin: germline.
Comment: This sequence change creates a premature translational stop signal (p.Arg3224*) in the SACS gene. While this is not anticipated to result in nonsense mediated decay, it is expected to disrupt the last 1356 amino acid(s) of the SACS protein. This variant is present in population databases (rs751568153, gnomAD 0.0009%). This premature translational stop signal has been observed in individual(s) with clinical features of hereditary spastic paraplegia (PMID: 21665375). ClinVar contains an entry for this variant (Variation ID: 633404). This variant disrupts a region of the SACS protein in which other variant(s) (p.Gln4054*) have been determined to be pathogenic (PMID: 18465152, 27288452). This suggests that this is a clinically significant region of the protein, and that variants that disrupt it are likely to be disease-causing. For these reasons, this variant has been classified as Pathogenic.

Blueprint Genetics
Classification: Pathogenic for SACS-related disorders. Last evaluated: 2024-01-08. Review status: criteria provided, single submitter. Criteria: ACMG Guidelines, 2015. Collection method: clinical testing. Allele origin: germline. Affected: yes. Observed: 2 variant alleles.

Literature cited by the submitters: PubMed 23280630 (cited by Women's Health and Genetics/Laboratory Corporation of America, LabCorp); PubMed 24384335 (cited by Women's Health and Genetics/Laboratory Corporation of America, LabCorp); PubMed 21665375 (cited by Natera, Inc. and Labcorp Genetics (formerly Invitae), Labcorp); PubMed 18465152 (cited by Labcorp Genetics (formerly Invitae), Labcorp); PubMed 27288452 (cited by Labcorp Genetics (formerly Invitae), Labcorp).